The following is an entry in ClinVar:

ClinVar aggregate classification (germline): Uncertain significance (1 of 4 stars; one submission).

Conditions:
Immunodeficiency 132A. Also called: Herpes simplex encephalitis, susceptibility to, 3. Identifiers: Orphanet 1930, MedGen C3553868, MONDO:0013920, OMIM 614849.

Allele frequency attached by ClinVar (database versions not stated): gnomAD exomes below 0.00001.
gnomAD v4.1: 5 of 1,614,190 alleles (0.00031%); highest among the groups gnomAD compares: Non-Finnish European, 0.00042%; no homozygotes.

Submission:

Labcorp Genetics (formerly Invitae), Labcorp
Classification: Uncertain significance for Immunodeficiency 132A. Last evaluated: 2021-05-09. Review status: criteria provided, single submitter. Criteria: Invitae Variant Classification Sherloc (09022015). Collection method: clinical testing. Allele origin: germline.
Comment: In summary, the available evidence is currently insufficient to determine the role of this variant in disease. Therefore, it has been classified as a Variant of Uncertain Significance. Algorithms developed to predict the effect of missense changes on protein structure and function are either unavailable or do not agree on the potential impact of this missense change (SIFT: "Deleterious"; PolyPhen-2: "Benign"; Align-GVGD: "Class C0"). This variant has not been reported in the literature in individuals with TRAF3-related conditions. This variant is not present in population databases (ExAC no frequency). This sequence change replaces aspartic acid with asparagine at codon 396 of the TRAF3 protein (p.Asp396Asn). The aspartic acid residue is highly conserved and there is a small physicochemical difference between aspartic acid and asparagine.

NM_145725.3(TRAF3):c.1186G>A (p.Asp396Asn)

Gene: TRAF3 (TNF receptor associated factor 3; plus strand). Cytogenetic location: 14q32.32.
Variant type: single nucleotide variant.
Coding change: c.1186G>A on transcript NM_145725.3 (MANE Select); coding-DNA position 1186, G replaced by A.
Protein change: p.Asp396Asn; replaces aspartic acid 396 with asparagine.
Molecular consequence: missense variant.
Genome position (GRCh38, 1-based): chr14:102,905,263, G>A. VCF-style: chr14-102905263-G-A. GRCh37 (hg19) VCF-style: chr14-103371600-G-A.
Other names: c.937G>A, p.Asp313Asn (NM_001199427.2); c.1045G>A, p.Asp349Asn (NM_001385142.1); c.1105G>A, p.Asp369Asn (NM_001385143.1); c.1186G>A, p.Asp396Asn (NM_003300.4); c.1111G>A, p.Asp371Asn (NM_145726.3); short protein forms D313N, D369N, D396N, D349N, D371N.
Identifiers: ClinVar variation 1409506 (VCV001409506.8), dbSNP rs2140010463, ClinGen allele CA391076000.
Genomic context (GRCh38, chr14:102,905,263, plus strand): 5'-CCTGTGGCAGGCCTGCTGGAGTCCCAGCTGAGCCGGCATGACCAGATGCTGAGTGTGCAC[G>A]ACATCCGCCTAGCCGACATGGACCTGCGCTTCCAGGTCCTGGAGACCGCCAGCTACAATG-3'
Protein context (NP_663777.1, residues 386-406): SRHDQMLSVH[Asp396Asn]IRLADMDLRF